The following is an entry in ClinVar:

NM_001142633.3(PIK3R5):c.1440C>T (p.Pro480=)

Gene: PIK3R5 (phosphoinositide-3-kinase regulatory subunit 5; minus strand). Cytogenetic location: 17p13.1.
Variant type: single nucleotide variant.
Coding change: c.1440C>T on transcript NM_001142633.3 (MANE Select); coding-DNA position 1440, C replaced by T.
Protein change: p.Pro480=; no amino-acid change (proline 480 retained).
Molecular consequence: synonymous variant.
Genome position (GRCh38, 1-based): chr17:8,888,347, G>A on the plus strand (C>T on the coding strand, the complement: PIK3R5 is on the minus strand). VCF-style: chr17-8888347-G-A. GRCh37 (hg19) VCF-style: chr17-8791664-G-A.
Other names: c.282C>T, p.Pro94= (NM_001251851.2, NM_001251852.2, NM_001251853.2 and 5 more transcripts); c.1440C>T, p.Pro480= (NM_001388396.1, NM_014308.4).
Identifiers: ClinVar variation 3257539 (VCV003257539.17).
Genomic context (GRCh38, chr17:8,888,347, plus strand): 5'-CTGGGGGCGTGAAGCAGGGGCCAGAAGCCAGCTGGGCAGCTGGGTACCGAGTTTGGGCTG[G>A]GGCAGGGAGCGGGAGCGCTGGGCCCGGGAAGGGGGTGATACTGGTTCGTCCAGGGGGCTG-3'
Protein context (NP_001136105.1, residues 470-490): PSRAQRSRSL[Pro480=]QPKLGTQLPS

ClinVar aggregate classification (germline): Likely benign (1 of 4 stars; one submission).

gnomAD v4.1: 7 of 1,612,058 alleles (0.00043%); highest among the groups gnomAD compares: Non-Finnish European, 0.00059%; no homozygotes.

Submission:

CeGaT Center for Human Genetics Tuebingen
Classification: Likely benign. Last evaluated: 2024-07-01. Review status: criteria provided, single submitter. Criteria: CeGaT Center For Human Genetics Tuebingen Variant Classification Criteria Version 2. Collection method: clinical testing. Allele origin: germline. Affected: yes. Observed: 1 variant allele.
Comment: PIK3R5: BP4, BP7